The following is an entry in ClinVar:

ClinVar aggregate classification (germline): Likely benign (1 of 4 stars; one submission).

Conditions:
Hypertrophic cardiomyopathy. Also called: HYPERTROPHIC MYOCARDIOPATHY. Identifiers: Orphanet 217569, MedGen C0007194, MeSH D002312, MONDO:0005045, HP:0001639.

Submission:

All of Us Research Program, National Institutes of Health
Classification: Likely benign for Hypertrophic cardiomyopathy. Last evaluated: 2024-07-29. Review status: criteria provided, single submitter. Criteria: ACMG Guidelines, 2015. Collection method: clinical testing. Allele origin: germline. Inheritance: Autosomal dominant inheritance. Observed: 1 variant allele, 1 heterozygote.
Comment: This study involves interpretation of variants in research participants for the purpose of population health screening. Participant phenotype was not available at the time of variant classification. Additional details can be found in publication PMID: 35346344, PMCID: PMC8962531

NM_000363.5(TNNI3):c.267C>G (p.Gly89=)

Gene: TNNI3 (troponin I3, cardiac type; minus strand). Cytogenetic location: 19q13.42.
Variant type: single nucleotide variant.
Coding change: c.267C>G on transcript NM_000363.5 (MANE Select); coding-DNA position 267, C replaced by G.
Protein change: p.Gly89=; no amino-acid change (glycine 89 retained).
Molecular consequence: synonymous variant.
Genome position (GRCh38, 1-based): chr19:55,156,216, G>C on the plus strand (C>G on the coding strand, the complement: TNNI3 is on the minus strand). VCF-style: chr19-55156216-G-C. GRCh37 (hg19) VCF-style: chr19-55667584-G-C.
Identifiers: ClinVar variation 3386099 (VCV003386099.1).